The following is an entry in ClinVar:

NM_016239.4(MYO15A):c.1519T>G (p.Leu507Val)

Gene: MYO15A (myosin XVA; plus strand). Cytogenetic location: 17p11.2.
Variant type: single nucleotide variant.
Coding change: c.1519T>G on transcript NM_016239.4 (MANE Select); coding-DNA position 1519, T replaced by G.
Protein change: p.Leu507Val; replaces leucine 507 with valine.
Molecular consequence: missense variant.
Genome position (GRCh38, 1-based): chr17:18,120,319, T>G. VCF-style: chr17-18120319-T-G. GRCh37 (hg19) VCF-style: chr17-18023633-T-G.
Other names: short protein forms L507V.
Identifiers: ClinVar variation 2217227 (VCV002217227.4), dbSNP rs757257955, ClinGen allele CA8423112.

ClinVar aggregate classification (germline): Uncertain significance. Review status: criteria provided, multiple submitters, no conflicts (2 of 4 stars). 2 submissions from 2 submitters: Uncertain significance (2). Last evaluated 2025-06-06.

Conditions:
Inborn genetic diseases. Identifiers: MedGen C0950123, MeSH D030342.

Allele frequency attached by ClinVar (database versions not stated): ExAC 0.00002; gnomAD 0.00001.
gnomAD v4.1: 7 of 1,612,078 alleles (0.00043%); highest among the groups gnomAD compares: Non-Finnish European, 0.00059%; no homozygotes.

Submissions (2):

Ambry Genetics
Classification: Uncertain significance for Inborn genetic diseases. Last evaluated: 2025-06-06. Review status: criteria provided, single submitter. Criteria: Ambry Variant Classification Scheme 2023. Collection method: clinical testing. Allele origin: germline.

GeneDx
Classification: Uncertain significance. Last evaluated: 2022-08-31. Review status: criteria provided, single submitter. Criteria: GeneDx Variant Classification Process June 2021. Collection method: clinical testing. Allele origin: germline. Affected: yes.
Comment: Not observed at significant frequency in large population cohorts (gnomAD); In silico analysis supports that this missense variant does not alter protein structure/function; Has not been previously published as pathogenic or benign to our knowledge